The following is an entry in ClinVar:

NM_015331.3(NCSTN):c.836C>T (p.Ala279Val)

Gene: NCSTN (nicastrin; plus strand). Cytogenetic location: 1q23.2.
Variant type: single nucleotide variant.
Coding change: c.836C>T on transcript NM_015331.3 (MANE Select); coding-DNA position 836, C replaced by T.
Protein change: p.Ala279Val; replaces alanine 279 with valine.
Molecular consequence: missense variant. On other transcripts: intron variant (1).
Genome position (GRCh38, 1-based): chr1:160,351,798, C>T. VCF-style: chr1-160351798-C-T. GRCh37 (hg19) VCF-style: chr1-160321588-C-T.
Other names: c.776C>T, p.Ala259Val (NM_001290184.2); c.836C>T, p.Ala279Val (NM_001349729.2); c.583-1089C>T (NM_001290186.2); short protein forms A259V, A279V.
Identifiers: ClinVar variation 2176484 (VCV002176484.3), dbSNP rs1240862255, ClinGen allele CA343279349.

ClinVar aggregate classification (germline): Uncertain significance (1 of 4 stars; one submission).

Allele frequency attached by ClinVar (database versions not stated): gnomAD exomes below 0.00001; TOPMed below 0.00001; gnomAD 0.00001.
gnomAD v4.1: 4 of 1,606,252 alleles (0.00025%); highest among the groups gnomAD compares: Non-Finnish European, 0.00034%; no homozygotes.

Submission:

Labcorp Genetics (formerly Invitae), Labcorp
Classification: Uncertain significance. Last evaluated: 2024-03-10. Review status: criteria provided, single submitter. Criteria: Invitae Variant Classification Sherloc (09022015). Collection method: clinical testing. Allele origin: germline.
Comment: This sequence change replaces alanine, which is neutral and non-polar, with valine, which is neutral and non-polar, at codon 279 of the NCSTN protein (p.Ala279Val). This variant is not present in population databases (gnomAD no frequency). This variant has not been reported in the literature in individuals affected with NCSTN-related conditions. ClinVar contains an entry for this variant (Variation ID: 2176484). Advanced modeling of protein sequence and biophysical properties (such as structural, functional, and spatial information, amino acid conservation, physicochemical variation, residue mobility, and thermodynamic stability) performed at Invitae indicates that this missense variant is not expected to disrupt NCSTN protein function with a negative predictive value of 80%. In summary, the available evidence is currently insufficient to determine the role of this variant in disease. Therefore, it has been classified as a Variant of Uncertain Significance.